The following is an entry in ClinVar:

ClinVar aggregate classification (germline): Uncertain significance (1 of 4 stars; one submission).

Submission:

Ambry Genetics
Classification: Uncertain significance. Last evaluated: 2025-04-22. Review status: criteria provided, single submitter. Criteria: Ambry Variant Classification Scheme 2023. Collection method: clinical testing. Allele origin: germline.
Comment: The p.P413A variant (also known as c.1237C>G), located in coding exon 1 of the TET2 gene, results from a C to G substitution at nucleotide position 1237. The proline at codon 413 is replaced by alanine, an amino acid with highly similar properties. This amino acid position is conserved. In addition, this alteration is predicted to be tolerated by in silico analysis. Based on the available evidence, the clinical significance of this variant remains unclear.

NM_001127208.3(TET2):c.1237C>G (p.Pro413Ala)

Genes: TET2 (tet methylcytosine dioxygenase 2; plus strand), TET2-AS1 (TET2 antisense RNA 1; minus strand). Cytogenetic location: 4q24.
Variant type: single nucleotide variant.
Coding change: c.1237C>G on transcript NM_001127208.3 (MANE Select); coding-DNA position 1237, C replaced by G.
Protein change: p.Pro413Ala; replaces proline 413 with alanine.
Molecular consequence: missense variant.
Genome position (GRCh38, 1-based): chr4:105,235,179, C>G. VCF-style: chr4-105235179-C-G. GRCh37 (hg19) VCF-style: chr4-106156336-C-G.
Other names: c.1237C>G, p.Pro413Ala (NM_017628.4); short protein forms P413A.
Identifiers: ClinVar variation 3967583 (VCV003967583.1).